The following is an entry in ClinVar:

ClinVar aggregate classification (germline): Benign. Review status: criteria provided, multiple submitters, no conflicts (2 of 4 stars). 6 submissions from 6 submitters: Benign (5). 1 of the submissions does not count toward it. Last evaluated 2026-02-03.

Conditions:
CACNA1E-related disorder. Also called: CACNA1E-related condition.
Developmental and epileptic encephalopathy, 69. Also called: EPILEPTIC ENCEPHALOPATHY, EARLY INFANTILE, 69. Identifiers: MedGen C4748988, MONDO:0032657, OMIM 618285.

Allele frequency attached by ClinVar (database versions not stated): gnomAD exomes 0.01251; ExAC 0.01322; gnomAD 0.02803 and 0.02935; ESP Exome Variant Server 0.02903; 1000 Genomes Project 0.03075; TOPMed 0.03147; 1000 Genomes Project 30x 0.03154.
gnomAD v4.1: 17,591 of 1,613,624 alleles (1.1%); highest among the groups gnomAD compares: African/African-American, 8.3%; 330 homozygotes.

Submissions (6):

Labcorp Genetics (formerly Invitae), Labcorp
Classification: Benign. Last evaluated: 2026-02-03. Review status: criteria provided, single submitter. Criteria: Invitae Variant Classification Sherloc (09022015). Collection method: clinical testing. Allele origin: germline.

Genome-Nilou Lab
Classification: Benign for Developmental and epileptic encephalopathy, 69. Last evaluated: 2023-04-11. Review status: criteria provided, single submitter. Criteria: ACMG Guidelines, 2015. Collection method: clinical testing. Allele origin: germline. Affected: no.

Mayo Clinic Laboratories, Mayo Clinic
Classification: Benign. Last evaluated: 2022-07-01. Review status: criteria provided, single submitter. Criteria: ACMG Guidelines, 2015. Collection method: clinical testing. Allele origin: germline. Observed: 13 variant alleles.

GeneDx
Classification: Benign. Last evaluated: 2021-03-31. Review status: criteria provided, single submitter. Criteria: GeneDx Variant Classification Process June 2021. Collection method: clinical testing. Allele origin: germline. Affected: yes.

Breakthrough Genomics
Classification: Benign. Review status: criteria provided, single submitter. Criteria: ACMG Guidelines, 2015. Collection method: not provided. Allele origin: germline. Inheritance: Autosomal dominant inheritance. Affected: yes.

PreventionGenetics, part of Exact Sciences
Classification: Benign for CACNA1E-related condition. Last evaluated: 2024-08-14. Review status: no assertion criteria provided. Collection method: clinical testing. Allele origin: germline. Not counted in ClinVar's aggregate classification.
Comment: This variant is classified as benign based on ACMG/AMP sequence variant interpretation guidelines (Richards et al. 2015 PMID: 25741868, with internal and published modifications).

NM_001205293.3(CACNA1E):c.5844G>A (p.Gln1948=)

Gene: CACNA1E (calcium voltage-gated channel subunit alpha1 E; plus strand). Cytogenetic location: 1q25.3.
Variant type: single nucleotide variant.
Coding change: c.5844G>A on transcript NM_001205293.3 (MANE Select); coding-DNA position 5844, G replaced by A.
Protein change: p.Gln1948=; no amino-acid change (glutamine 1948 retained).
Molecular consequence: synonymous variant.
Genome position (GRCh38, 1-based): chr1:181,790,502, G>A. VCF-style: chr1-181790502-G-A. GRCh37 (hg19) VCF-style: chr1-181759638-G-A.
Other names: p.Gln1948=; c.5844G>A, p.Gln1948= (NM_000721.4); c.5787G>A, p.Gln1929= (NM_001205294.2).
Identifiers: ClinVar variation 1239002 (VCV001239002.14), dbSNP rs34741608, ClinGen allele CA1276218.